The following is an entry in ClinVar:

ClinVar aggregate classification (germline): Uncertain significance. Review status: criteria provided, single submitter (1 of 4 stars). 2 submissions from 2 submitters: Uncertain significance (1). 1 of the submissions does not count toward it. Last evaluated 2025-12-10.

Conditions:
Dermatofibrosis lenticularis disseminata (BOS). Also called: DERMATOFIBROSIS LENTICULARIS DISSEMINATA WITH OSTEOPOIKILOSIS; DERMATOOSTEOPOIKILOSIS; OSTEOPATHIA CONDENSANS DISSEMINATA. Identifiers: Orphanet 1306, MedGen C0265514, MONDO:0008157, OMIM 166700.

Submissions (2):

3billion
Classification: Uncertain significance for Dermatofibrosis lenticularis disseminata. Last evaluated: 2025-12-10. Review status: criteria provided, single submitter. Criteria: ACMG Guidelines, 2015. Collection method: clinical testing. Allele origin: germline. Affected: yes.
Comment: The variant is not observed in the gnomAD v4.1.0 dataset. Predicted Consequence/Location: Stop-gained (nonsense): predicted to result in a loss or disruption of normal protein function through protein truncation. The predicted truncated protein may be shortened by less than 10%. The variant has been reported to be associated with LEMD3-related disorder (ClinVar ID: VCV000002758 /PMID: 19438932). However, the evidence of pathogenicity is insufficient at this time. Therefore, this variant is classified as VUS according to the recommendation of ACMG/AMP guideline.

OMIM
Classification: Pathogenic for BUSCHKE-OLLENDORFF SYNDROME. Last evaluated: 2009-06-01. Review status: no assertion criteria provided. Collection method: literature only. Allele origin: germline. Not counted in ClinVar's aggregate classification.

Literature cited by the submitters: PubMed 19438932 (cited by 3billion and OMIM).

NM_014319.5(LEMD3):c.2564G>A (p.Trp855Ter)

Gene: LEMD3 (LEM domain containing 3; plus strand). Cytogenetic location: 12q14.3.
Variant type: single nucleotide variant.
Coding change: c.2564G>A on transcript NM_014319.5 (MANE Select); coding-DNA position 2564, G replaced by A.
Protein change: p.Trp855Ter; replaces tryptophan 855 with a stop codon.
Molecular consequence: nonsense.
Genome position (GRCh38, 1-based): chr12:65,245,931, G>A. VCF-style: chr12-65245931-G-A. GRCh37 (hg19) VCF-style: chr12-65639711-G-A.
Other names: c.2561G>A, p.Trp854Ter (NM_001167614.2); short protein forms W855*, W854*.
Identifiers: ClinVar variation 2758 (VCV000002758.3), dbSNP rs267607216, ClinGen allele CA115736.